The following is an entry in ClinVar:

NM_001256470.2(PLEKHA5):c.3785C>T (p.Ser1262Leu)

Gene: PLEKHA5 (pleckstrin homology domain containing A5; plus strand). Cytogenetic location: 12p12.3.
Variant type: single nucleotide variant.
Coding change: c.3785C>T on transcript NM_001256470.2 (MANE Select); coding-DNA position 3785, C replaced by T.
Protein change: p.Ser1262Leu; replaces serine 1262 with leucine.
Molecular consequence: missense variant. On other transcripts: non-coding transcript variant (6), intron variant (5).
Genome position (GRCh38, 1-based): chr12:19,369,723, C>T. VCF-style: chr12-19369723-C-T. GRCh37 (hg19) VCF-style: chr12-19522657-C-T.
Other names: c.3461C>T, p.Ser1154Leu (NM_001143821.3, NM_001385933.1, NM_001385968.1); c.3233C>T, p.Ser1078Leu (NM_001256787.2); c.3767C>T, p.Ser1256Leu (NM_001385923.1); c.3749C>T, p.Ser1250Leu (NM_001385924.1); c.3731C>T, p.Ser1244Leu (NM_001385925.1); c.3665C>T, p.Ser1222Leu (NM_001385927.1); c.3617C>T, p.Ser1206Leu (NM_001385928.1); c.3596C>T, p.Ser1199Leu (NM_001385929.1); and 35 more; short protein forms S1027L, S1069L, S1079L, S1090L, S1187L, S1199L, S1262L, S939L.
Identifiers: ClinVar variation 3214787 (VCV003214787.2), dbSNP rs763901565, ClinGen allele CA6472943.

ClinVar aggregate classification (germline): Uncertain significance. Review status: criteria provided, multiple submitters, no conflicts (2 of 4 stars). 2 submissions from 2 submitters: Uncertain significance (2). Last evaluated 2026-04-23.

Conditions:
PLEKHA5-related disorder. Also called: PLEKHA5-related condition.

Allele frequency attached by ClinVar (database versions not stated): gnomAD 0.00009; TOPMed 0.00011; ExAC 0.00015; gnomAD exomes 0.00018.
gnomAD v4.1: 266 of 1,611,936 alleles (0.017%); highest among the groups gnomAD compares: Non-Finnish European, 0.021%; no homozygotes.

Submissions (2):

PreventionGenetics, part of Exact Sciences
Classification: Uncertain significance for PLEKHA5-related condition. Last evaluated: 2026-04-23. Review status: criteria provided, single submitter. Criteria: ACMG Guidelines, 2015. Collection method: clinical testing. Allele origin: germline.
Comment: The PLEKHA5 c.3785C>T variant is predicted to result in the amino acid substitution p.Ser1262Leu. To our knowledge, this variant has not been reported in the literature. This variant is reported in 0.019% of alleles in individuals of European (Non-Finnish) descent in gnomAD. At this time, the clinical significance of this variant is uncertain due to the absence of conclusive functional and genetic evidence.

Ambry Genetics
Classification: Uncertain significance. Last evaluated: 2024-02-14. Review status: criteria provided, single submitter. Criteria: Ambry Variant Classification Scheme 2023. Collection method: clinical testing. Allele origin: germline.